The following is an entry in ClinVar:

NM_177438.3(DICER1):c.5228C>T (p.Thr1743Ile)

Gene: DICER1 (dicer 1, ribonuclease III; minus strand). Cytogenetic location: 14q32.13.
Variant type: single nucleotide variant.
Coding change: c.5228C>T on transcript NM_177438.3 (MANE Select); coding-DNA position 5228, C replaced by T.
Protein change: p.Thr1743Ile; replaces threonine 1743 with isoleucine.
Molecular consequence: missense variant. On other transcripts: non-coding transcript variant (6).
Genome position (GRCh38, 1-based): chr14:95,094,024, G>A on the plus strand (C>T on the coding strand, the complement: DICER1 is on the minus strand). VCF-style: chr14-95094024-G-A. GRCh37 (hg19) VCF-style: chr14-95560361-G-A.
Other names: c.5228C>T, p.Thr1743Ile (NM_001291628.2, NM_001395677.1, NM_001395678.1 and 9 more transcripts); c.4946C>T, p.Thr1649Ile (NM_001395686.1); c.4823C>T, p.Thr1608Ile (NM_001395687.1, NM_001395688.1, NM_001395689.1 and 1 more transcripts); c.4661C>T, p.Thr1554Ile (NM_001395691.1); c.3545C>T, p.Thr1182Ile (NM_001395697.1); short protein forms T1554I, T1608I, T1743I, T1649I, T1182I.
Identifiers: ClinVar variation 2706260 (VCV002706260.3), dbSNP rs2139813068, ClinGen allele CA390865168.

ClinVar aggregate classification (germline): Uncertain significance (1 of 4 stars; one submission).

Conditions:
DICER1-related tumor predisposition. Also called: DICER1 syndrome; DICER1-related pleuropulmonary blastoma cancer predisposition syndrome. Identifiers: Orphanet 284343, MedGen C3839822, MONDO:0100216.

Submission:

Labcorp Genetics (formerly Invitae), Labcorp
Classification: Uncertain significance for DICER1-related tumor predisposition. Last evaluated: 2023-12-29. Review status: criteria provided, single submitter. Criteria: Invitae Variant Classification Sherloc (09022015). Collection method: clinical testing. Allele origin: germline.
Comment: This sequence change replaces threonine, which is neutral and polar, with isoleucine, which is neutral and non-polar, at codon 1743 of the DICER1 protein (p.Thr1743Ile). This variant is not present in population databases (gnomAD no frequency). This variant has not been reported in the literature in individuals affected with DICER1-related conditions. Advanced modeling of protein sequence and biophysical properties (such as structural, functional, and spatial information, amino acid conservation, physicochemical variation, residue mobility, and thermodynamic stability) performed at Invitae indicates that this missense variant is not expected to disrupt DICER1 protein function with a negative predictive value of 80%. In summary, the available evidence is currently insufficient to determine the role of this variant in disease. Therefore, it has been classified as a Variant of Uncertain Significance.